The following is an entry in ClinVar:

NM_001369.3(DNAH5):c.8962A>G (p.Thr2988Ala)

Gene: DNAH5 (dynein axonemal heavy chain 5; minus strand). Cytogenetic location: 5p15.2.
Variant type: single nucleotide variant.
Coding change: c.8962A>G on transcript NM_001369.3 (MANE Select); coding-DNA position 8962, A replaced by G.
Protein change: p.Thr2988Ala; replaces threonine 2988 with alanine.
Molecular consequence: missense variant.
Genome position (GRCh38, 1-based): chr5:13,777,345, T>C on the plus strand (A>G on the coding strand, the complement: DNAH5 is on the minus strand). VCF-style: chr5-13777345-T-C. GRCh37 (hg19) VCF-style: chr5-13777454-T-C.
Other names: short protein forms T2988A.
Identifiers: ClinVar variation 851105 (VCV000851105.20), dbSNP rs1754251806, ClinGen allele CA359211479.

ClinVar aggregate classification (germline): Uncertain significance. Review status: criteria provided, multiple submitters, no conflicts (2 of 4 stars). 2 submissions from 2 submitters: Uncertain significance (2). Last evaluated 2019-12-19.

Conditions:
Primary ciliary dyskinesia. Also called: Ciliary dyskinesia. Identifiers: Orphanet 244, MedGen C0008780, MONDO:0016575, HP:0012265.

Allele frequency attached by ClinVar (database versions not stated): gnomAD exomes below 0.00001.
gnomAD v4.1: 1 of 1,613,136 alleles (0.000062%); highest among the groups gnomAD compares: Admixed American, 0.0017%; no homozygotes.

Submissions (2):

Labcorp Genetics (formerly Invitae), Labcorp
Classification: Uncertain significance for Primary ciliary dyskinesia. Last evaluated: 2019-12-19. Review status: criteria provided, single submitter. Criteria: Invitae Variant Classification Sherloc (09022015). Collection method: clinical testing. Allele origin: germline.
Comment: In summary, the available evidence is currently insufficient to determine the role of this variant in disease. Therefore, it has been classified as a Variant of Uncertain Significance. Algorithms developed to predict the effect of missense changes on protein structure and function output the following: SIFT: "Tolerated"; PolyPhen-2: "Possibly Damaging"; Align-GVGD: "Class C0". The alanine amino acid residue is found in multiple mammalian species, suggesting that this missense change does not adversely affect protein function. These predictions have not been confirmed by published functional studies and their clinical significance is uncertain. This variant has not been reported in the literature in individuals with DNAH5-related conditions. This variant is not present in population databases (ExAC no frequency). This sequence change replaces threonine with alanine at codon 2988 of the DNAH5 protein (p.Thr2988Ala). The threonine residue is highly conserved and there is a small physicochemical difference between threonine and alanine.

Ambry Genetics
Classification: Uncertain significance for Primary ciliary dyskinesia. Last evaluated: 2018-12-22. Review status: criteria provided, single submitter. Criteria: Ambry Variant Classification Scheme 2023. Collection method: clinical testing. Allele origin: germline.
Comment: The p.T2988A variant (also known as c.8962A>G), located in coding exon 54 of the DNAH5 gene, results from an A to G substitution at nucleotide position 8962. The threonine at codon 2988 is replaced by alanine, an amino acid with similar properties. This amino acid position is well conserved in available vertebrate species. In addition, this alteration is predicted to be tolerated by in silico analysis. Since supporting evidence is limited at this time, the clinical significance of this alteration remains unclear.